The following is an entry in ClinVar:

NM_001853.4(COL9A3):c.331C>G (p.Pro111Ala)

Gene: COL9A3 (collagen type IX alpha 3 chain; plus strand). Cytogenetic location: 20q13.33.
Variant type: single nucleotide variant.
Coding change: c.331C>G on transcript NM_001853.4 (MANE Select); coding-DNA position 331, C replaced by G.
Protein change: p.Pro111Ala; replaces proline 111 with alanine.
Molecular consequence: missense variant.
Genome position (GRCh38, 1-based): chr20:62,821,202, C>G. VCF-style: chr20-62821202-C-G. GRCh37 (hg19) VCF-style: chr20-61452554-C-G.
Other names: short protein forms P111A.
Identifiers: ClinVar variation 1351646 (VCV001351646.8), dbSNP rs374503994, ClinGen allele CA409588051.
Genomic context (GRCh38, chr20:62,821,202, plus strand): 5'-AGGCCCAGCCCAACCTAGACGCCTGCTTTCCTCCCACAGGGAAGTCTGGGACCCCCGGGG[C>G]CGCCCGGGCTGGGGGTGAGTATGGAGTGTGGTCCTCTCCTCTCCATGGGAGTTTGGGGAG-3'
Protein context (NP_001844.3, residues 101-121): GERGSLGPPG[Pro111Ala]PGLGGKGLPG

ClinVar aggregate classification (germline): Uncertain significance (1 of 4 stars; one submission).

Submission:

Labcorp Genetics (formerly Invitae), Labcorp
Classification: Uncertain significance. Last evaluated: 2022-02-08. Review status: criteria provided, single submitter. Criteria: Invitae Variant Classification Sherloc (09022015). Collection method: clinical testing. Allele origin: germline.
Comment: In summary, the available evidence is currently insufficient to determine the role of this variant in disease. Therefore, it has been classified as a Variant of Uncertain Significance. Advanced modeling of protein sequence and biophysical properties (such as structural, functional, and spatial information, amino acid conservation, physicochemical variation, residue mobility, and thermodynamic stability) performed at Invitae indicates that this missense variant is not expected to disrupt COL9A3 protein function. This variant has not been reported in the literature in individuals affected with COL9A3-related conditions. This variant is not present in population databases (gnomAD no frequency). This sequence change replaces proline, which is neutral and non-polar, with alanine, which is neutral and non-polar, at codon 111 of the COL9A3 protein (p.Pro111Ala).